The following is an entry in ClinVar:

ClinVar aggregate classification (germline): Uncertain significance (1 of 4 stars; one submission).

Allele frequency attached by ClinVar (database versions not stated): TOPMed 0.00003; ExAC 0.00002.
gnomAD v4.1: 26 of 1,613,954 alleles (0.0016%); highest among the groups gnomAD compares: Admixed American, 0.005%; no homozygotes.

Submission:

Labcorp Genetics (formerly Invitae), Labcorp
Classification: Uncertain significance. Last evaluated: 2022-07-13. Review status: criteria provided, single submitter. Criteria: Invitae Variant Classification Sherloc (09022015). Collection method: clinical testing. Allele origin: germline.
Comment: This sequence change replaces valine, which is neutral and non-polar, with isoleucine, which is neutral and non-polar, at codon 106 of the MYO5B protein (p.Val106Ile). This variant is present in population databases (rs754688861, gnomAD 0.01%). This variant has not been reported in the literature in individuals affected with MYO5B-related conditions. ClinVar contains an entry for this variant (Variation ID: 1359300). Algorithms developed to predict the effect of missense changes on protein structure and function are either unavailable or do not agree on the potential impact of this missense change (SIFT: "Deleterious"; PolyPhen-2: "Probably Damaging"; Align-GVGD: "Class C0"). In summary, the available evidence is currently insufficient to determine the role of this variant in disease. Therefore, it has been classified as a Variant of Uncertain Significance.

NM_001080467.3(MYO5B):c.316G>A (p.Val106Ile)

Gene: MYO5B (myosin VB; minus strand). Cytogenetic location: 18q21.1.
Variant type: single nucleotide variant.
Coding change: c.316G>A on transcript NM_001080467.3 (MANE Select); coding-DNA position 316, G replaced by A.
Protein change: p.Val106Ile; replaces valine 106 with isoleucine.
Molecular consequence: missense variant.
Genome position (GRCh38, 1-based): chr18:50,036,989, C>T on the plus strand (G>A on the coding strand, the complement: MYO5B is on the minus strand). VCF-style: chr18-50036989-C-T. GRCh37 (hg19) VCF-style: chr18-47563359-C-T.
Other names: short protein forms V106I.
Identifiers: ClinVar variation 1359300 (VCV001359300.5), dbSNP rs754688861, ClinGen allele CA8961906.